The following is an entry in ClinVar:

NM_000384.3(APOB):c.4864C>T (p.His1622Tyr)

Gene: APOB (apolipoprotein B; minus strand). Cytogenetic location: 2p24.1.
Variant type: single nucleotide variant.
Coding change: c.4864C>T on transcript NM_000384.3 (MANE Select); coding-DNA position 4864, C replaced by T.
Protein change: p.His1622Tyr; replaces histidine 1622 with tyrosine.
Molecular consequence: missense variant.
Genome position (GRCh38, 1-based): chr2:21,012,004, G>A on the plus strand (C>T on the coding strand, the complement: APOB is on the minus strand). VCF-style: chr2-21012004-G-A. GRCh37 (hg19) VCF-style: chr2-21234876-G-A.
Other names: short protein forms H1622Y.
Identifiers: ClinVar variation 4613697 (VCV004613697.1).

ClinVar aggregate classification (germline): Uncertain significance (1 of 4 stars; one submission).

Conditions:
Cardiovascular phenotype. Identifiers: MedGen CN230736.

Submission:

Ambry Genetics
Classification: Uncertain significance for Cardiovascular phenotype. Last evaluated: 2025-12-11. Review status: criteria provided, single submitter. Criteria: Ambry Variant Classification Scheme 2023. Collection method: clinical testing. Allele origin: germline.
Comment: The p.H1622Y variant (also known as c.4864C>T), located in coding exon 26 of the APOB gene, results from a C to T substitution at nucleotide position 4864. The histidine at codon 1622 is replaced by tyrosine, an amino acid with similar properties. This amino acid position is conserved. In addition, this alteration is predicted to be tolerated by in silico analysis. Based on the available evidence, the clinical significance of this variant remains unclear.